The following is an entry in ClinVar:

ClinVar aggregate classification (germline): Uncertain significance (1 of 4 stars; one submission).

Submission:

Labcorp Genetics (formerly Invitae), Labcorp
Classification: Uncertain significance. Last evaluated: 2025-11-05. Review status: criteria provided, single submitter. Criteria: Invitae Variant Classification Sherloc (09022015). Collection method: clinical testing. Allele origin: germline.
Comment: This sequence change replaces glycine, which is neutral and non-polar, with serine, which is neutral and polar, at codon 101 of the NRL protein (p.Gly101Ser). This variant is not present in population databases (gnomAD no frequency). This variant has not been reported in the literature in individuals affected with NRL-related conditions. ClinVar contains an entry for this variant (Variation ID: 2108197). An algorithm developed to predict the effect of missense changes on protein structure and function outputs the following: PolyPhen-2: "Benign". The serine amino acid residue is found in multiple mammalian species, which suggests that this missense change does not adversely affect protein function. In summary, the available evidence is currently insufficient to determine the role of this variant in disease. Therefore, it has been classified as a Variant of Uncertain Significance.

NM_001354768.3(NRL):c.301G>A (p.Gly101Ser)

Gene: NRL (neural retina leucine zipper; minus strand). Cytogenetic location: 14q11.2.
Variant type: single nucleotide variant.
Coding change: c.301G>A on transcript NM_001354768.3 (MANE Select); coding-DNA position 301, G replaced by A.
Protein change: p.Gly101Ser; replaces glycine 101 with serine.
Molecular consequence: missense variant. On other transcripts: intron variant (1).
Genome position (GRCh38, 1-based): chr14:24,082,548, C>T on the plus strand (G>A on the coding strand, the complement: NRL is on the minus strand). VCF-style: chr14-24082548-C-T. GRCh37 (hg19) VCF-style: chr14-24551757-C-T.
Other names: c.301G>A, p.Gly101Ser (NM_001354769.1, NM_006177.5); c.66+235G>A (NM_001354770.2); short protein forms G101S.
Identifiers: ClinVar variation 2108197 (VCV002108197.4), dbSNP rs2502524865, ClinGen allele CA389279878.